The following is an entry in ClinVar:

ClinVar aggregate classification (germline): Uncertain significance (1 of 4 stars; one submission).

Conditions:
Neurodevelopmental disorder with or without hyperkinetic movements and seizures, autosomal dominant. Also called: Intellectual disability, autosomal dominant 8. Identifiers: MedGen C3280282, MONDO:0013655, OMIM 614254.

Submission:

Labcorp Genetics (formerly Invitae), Labcorp
Classification: Uncertain significance for Neurodevelopmental disorder with or without hyperkinetic movements and seizures, autosomal dominant. Last evaluated: 2024-12-15. Review status: criteria provided, single submitter. Criteria: Invitae Variant Classification Sherloc (09022015). Collection method: clinical testing. Allele origin: germline.
Comment: This sequence change replaces serine, which is neutral and polar, with glycine, which is neutral and non-polar, at codon 890 of the GRIN1 protein (p.Ser890Gly). This variant is not present in population databases (gnomAD no frequency). This variant has not been reported in the literature in individuals affected with GRIN1-related conditions. Invitae Evidence Modeling of protein sequence and biophysical properties (such as structural, functional, and spatial information, amino acid conservation, physicochemical variation, residue mobility, and thermodynamic stability) indicates that this missense variant is expected to disrupt GRIN1 protein function with a positive predictive value of 95%. In summary, the available evidence is currently insufficient to determine the role of this variant in disease. Therefore, it has been classified as a Variant of Uncertain Significance.

NM_007327.4(GRIN1):c.2668A>G (p.Ser890Gly)

Gene: GRIN1 (glutamate ionotropic receptor NMDA type subunit 1; plus strand). Cytogenetic location: 9q34.3.
Variant type: single nucleotide variant.
Coding change: c.2668A>G on transcript NM_007327.4 (MANE Select); coding-DNA position 2668, A replaced by G.
Protein change: p.Ser890Gly; replaces serine 890 with glycine.
Molecular consequence: missense variant. On other transcripts: intron variant (3).
Genome position (GRCh38, 1-based): chr9:137,165,264, A>G. VCF-style: chr9-137165264-A-G. GRCh37 (hg19) VCF-style: chr9-140059716-A-G.
Other names: c.2731A>G, p.Ser911Gly (NM_001185090.2); c.2652+1360A>G (NM_001185091.2); c.2589+1360A>G (NM_021569.4, NM_000832.7); short protein forms S911G, S890G.
Identifiers: ClinVar variation 3635985 (VCV003635985.2).